The following is an entry in ClinVar:

ClinVar aggregate classification (germline): Uncertain significance. Review status: reviewed by expert panel (3 of 4 stars). 10 submissions from 10 submitters: Uncertain significance (1). 9 of the submissions do not count toward it. Last evaluated 2025-11-11.

Conditions:
Myosin storage myopathy (CMYO7A). Also called: MYOPATHY, HYALINE BODY, AUTOSOMAL DOMINANT; Scapuloperoneal myopathy, MYH7-related; MYH7-related late-onset scapuloperoneal muscular dystrophy; Congenital myopathy 7A, myosin storage, autosomal dominant; MYOPATHY WITH LYSIS OF TYPE I MYOFIBRILS; SCAPULOPERONEAL MUSCULAR DYSTROPHY. Identifiers: Orphanet 437572, Orphanet 636965, MedGen C1842160, MONDO:0008409, OMIM 608358.
MYH7-related disorder. Also called: MYH7-related condition; MYH7-related disease; MYH7-related disorders.
Cardiovascular phenotype. Identifiers: MedGen CN230736.
Cardiomyopathy (CMYO). Also called: Cardiomyopathies. Identifiers: Orphanet 167848, MedGen C0878544, MONDO:0004994, HP:0001638. Inheritance: Various modes of inheritance.
Hypertrophic cardiomyopathy. Also called: HYPERTROPHIC MYOCARDIOPATHY. Identifiers: Orphanet 217569, MedGen C0007194, MeSH D002312, MONDO:0005045, HP:0001639.

Allele frequency attached by ClinVar (database versions not stated): gnomAD exomes below 0.00001; TOPMed below 0.00001.
gnomAD v4.1: 5 of 1,609,868 alleles (0.00031%); highest among the groups gnomAD compares: Admixed American, 0.0017%; no homozygotes.

Submissions (10):

ClinGen Cardiomyopathy Variant Curation Expert Panel
Classification: Uncertain significance for Hypertrophic cardiomyopathy. Last evaluated: 2025-11-11. Review status: reviewed by expert panel. Criteria: ClinGen CMP ACMG Specifications v1. Collection method: curation. Allele origin: germline. Inheritance: Autosomal dominant inheritance.
Comment: The NM_000257.4(MYH7):c.5534G>A (p.Arg1845Gln) variant has been identified in 2 individuals with unspecified cardiomyopathy (van Lint FHM 2019 PMID: 30847666; GeneDx pers. comm.), in 1 individual with LVNC (van Waning 2020 PhD Thesis) and 1 individual with anthracycline-associated cardiomyopathy (Wasielewski 2014 PMID: 25332820); however, due to the nature of the associated phenotypes, this data is insufficient to apply the PS4 criterion. This variant has also been identified in 0.003% (1/34584) of Latino/Admixed American chromosomes by gnomAD v2.1.1 (PM2). Computational prediction tools and conservation analysis suggest that this variant may impact the protein (PP3). A different pathogenic missense variant has been previously identified at this codon; however, it has been reported to cause myosin storage myopathy and the additional evidence is insufficient to determine the role of this variant in cardiomyopathy conclusively (c.5533C>T p.Arg1845Trp- Variation ID 14114). Therefore, the PM5 criterion has not been applied. In summary, due to insufficient evidence, this variant is classified as uncertain significance for cardiomyopathy in an autosomal dominant manner. MYH7-specific ACMG/AMP criteria applied (Kelly 2018 PMID:29300372): PM2, PP3.

Genomic Medicine Center of Excellence, King Faisal Specialist Hospital and Research Centre
Classification: Likely pathogenic for Myosin storage myopathy. Last evaluated: 2025-09-10. Review status: criteria provided, single submitter. Criteria: ACMG Guidelines, 2015. Collection method: clinical testing. Allele origin: germline. Not counted in ClinVar's aggregate classification.

Labcorp Genetics (formerly Invitae), Labcorp
Classification: Likely pathogenic for Hypertrophic cardiomyopathy. Last evaluated: 2025-02-25. Review status: criteria provided, single submitter. Criteria: Invitae Variant Classification Sherloc (09022015). Collection method: clinical testing. Allele origin: germline. Not counted in ClinVar's aggregate classification.
Comment: This sequence change replaces arginine, which is basic and polar, with glutamine, which is neutral and polar, at codon 1845 of the MYH7 protein (p.Arg1845Gln). This variant is present in population databases (rs730880822, gnomAD 0.003%). This missense change has been observed in individual(s) with cardiomyopathy (PMID: 30847666). ClinVar contains an entry for this variant (Variation ID: 181286). Invitae Evidence Modeling of protein sequence and biophysical properties (such as structural, functional, and spatial information, amino acid conservation, physicochemical variation, residue mobility, and thermodynamic stability) indicates that this missense variant is expected to disrupt MYH7 protein function with a positive predictive value of 95%. This variant disrupts the p.Arg1845 amino acid residue in MYH7. Other variant(s) that disrupt this residue have been determined to be pathogenic (PMID: 14520662, 15699387, 17118657, 17336526, 19336582, 20376763). This suggests that this residue is clinically significant, and that variants that disrupt this residue are likely to be disease-causing. In summary, the currently available evidence indicates that the variant is pathogenic, but additional data are needed to prove that conclusively. Therefore, this variant has been classified as Likely Pathogenic.

Ambry Genetics
Classification: Uncertain significance for Cardiovascular phenotype. Last evaluated: 2023-03-30. Review status: criteria provided, single submitter. Criteria: Ambry Variant Classification Scheme 2023. Collection method: clinical testing. Allele origin: germline. Not counted in ClinVar's aggregate classification.
Comment: The p.R1845Q variant (also known as c.5534G>A), located in coding exon 35 of the MYH7 gene, results from a G to A substitution at nucleotide position 5534. The arginine at codon 1845 is replaced by glutamine, an amino acid with highly similar properties. This variant has been detected in an individual reported to have anthracycline-associated cardiomyopathy and has been detected in a noncompaction cardiomyopathy cohort as well as in an individual tested for unknown cardiomyopathy; however, details were limited (Wasielewski M et al. Open Heart, 2014 Jul;1:e000116; van Waning JI et al. J Am Coll Cardiol, 2018 Feb;71:711-722; van Lint FHM et al. Neth Heart J, 2019 Jun;27:304-309). This amino acid position is highly conserved in available vertebrate species. In addition, the in silico prediction for this alteration is inconclusive. Since supporting evidence is limited at this time, the clinical significance of this alteration remains unclear.

Blueprint Genetics
Classification: Likely pathogenic for MYH7-related disorders. Last evaluated: 2023-01-05. Review status: criteria provided, single submitter. Criteria: ACMG Guidelines, 2015. Collection method: clinical testing. Allele origin: germline. Affected: yes. Observed: 4 variant alleles. Not counted in ClinVar's aggregate classification.

CHEO Genetics Diagnostic Laboratory, Children's Hospital of Eastern Ontario
Classification: Uncertain significance for Cardiomyopathy. Last evaluated: 2022-11-10. Review status: criteria provided, single submitter. Criteria: ACMG Guidelines, 2015. Collection method: clinical testing. Allele origin: germline. Not counted in ClinVar's aggregate classification.

Color Diagnostics, LLC DBA Color Health
Classification: Uncertain significance for Cardiomyopathy. Last evaluated: 2019-09-26. Review status: criteria provided, single submitter. Criteria: ACMG Guidelines, 2015. Collection method: clinical testing. Allele origin: germline. Not counted in ClinVar's aggregate classification.
Comment: This missense variant replaces arginine with glutamine at codon 1845 of the MYH7 protein. Computational prediction tools and conservation analyses suggest that this variant may have deleterious impact on protein structure and function. Splice site prediction tools suggest that this variant may not impact RNA splicing. To our knowledge, functional studies have not been performed for this variant. This variant has been reported in an individual affected with cardiomyopathy after cancer drug treatment (PMID: 25332820) and in an individual affected with noncompaction cardiomyopathy (PMID: 29447731). A different missense variant occurring at the same codon, p.Arg1845Trp (Clinvar variation ID: 14114) is known to cause myosin storage myopathy and scapuloperoneal myopathy, suggesting that arginine at this position is important for MYH7 protein function. This variant has also been identified in 1/248590 chromosomes in the general population by the Genome Aggregation Database (gnomAD). The available evidence is insufficient to determine the role of this variant in disease conclusively. Therefore, this variant is classified as a Variant of Uncertain Significance.

GeneDx
Classification: Likely pathogenic. Last evaluated: 2013-02-14. Review status: criteria provided, single submitter. Criteria: GeneDx Variant Classification (06012015). Collection method: clinical testing. Allele origin: germline. Affected: yes. Not counted in ClinVar's aggregate classification.
Comment: p.Arg1845Gln (CGG>CAG): c.5534 G>A in exon 37 of the MYH7 gene (NM_000257.2). The Arg1845Gln variant in the MYH7 gene has not been reported as a disease-causing mutation or as a benign polymorphism to our knowledge. Arg1845Gln results in a semi-conservative amino acid substitution of a positively charged Arginine with a neutral, polar Glutamine at a position that is conserved across species. In silico analysis predicts Arg1845Gln is damaging to the protein structure/function. Mutations at this codon (Arg1845Trp) and in nearby residues (Ser1836Leu, Arg1846Cys, Thr1854) have been reported in association with myopathy and cardiomyopathy, further supporting the functional importance of this region of the protein. Furthermore, the Arg1845Gln variant was not observed in approximately 6,500 individuals of European and African American ancestry in the NHLBI Exome Sequencing Project, indicating it is not a common benign variant in these populations. In summary, while Arg1845Gln is a good candidate for a disease-causing mutation, with the clinical and molecular information available at this time we cannot unequivocally determine the clinical significance of this variant. The variant is found in DCM panel(s).

Diagnostic Laboratory, Department of Genetics, University Medical Center Groningen
Classification: Uncertain significance. Review status: no assertion criteria provided. Collection method: clinical testing. Allele origin: germline. Affected: yes. Study: VKGL Data-share Consensus. Not counted in ClinVar's aggregate classification.

Genome Diagnostics Laboratory, University Medical Center Utrecht
Classification: Uncertain significance. Review status: no assertion criteria provided. Collection method: clinical testing. Allele origin: germline. Affected: yes. Study: VKGL Data-share Consensus. Not counted in ClinVar's aggregate classification.

Literature cited by the submitters: PubMed 30847666 (cited by Labcorp Genetics (formerly Invitae), Labcorp and Ambry Genetics); PubMed 14520662 (cited by Labcorp Genetics (formerly Invitae), Labcorp); PubMed 15699387 (cited by Labcorp Genetics (formerly Invitae), Labcorp); PubMed 17118657 (cited by Labcorp Genetics (formerly Invitae), Labcorp); PubMed 17336526 (cited by Labcorp Genetics (formerly Invitae), Labcorp); PubMed 19336582 (cited by Labcorp Genetics (formerly Invitae), Labcorp); PubMed 20376763 (cited by Labcorp Genetics (formerly Invitae), Labcorp); PubMed 25332820 (cited by Ambry Genetics); PubMed 29447731 (cited by Ambry Genetics).

NM_000257.4(MYH7):c.5534G>A (p.Arg1845Gln)

Gene: MYH7 (myosin heavy chain 7; minus strand). Cytogenetic location: 14q11.2.
Variant type: single nucleotide variant.
Coding change: c.5534G>A on transcript NM_000257.4 (MANE Select); coding-DNA position 5534, G replaced by A.
Protein change: p.Arg1845Gln; replaces arginine 1845 with glutamine.
Molecular consequence: missense variant.
Genome position (GRCh38, 1-based): chr14:23,415,020, C>T on the plus strand (G>A on the coding strand, the complement: MYH7 is on the minus strand). VCF-style: chr14-23415020-C-T. GRCh37 (hg19) VCF-style: chr14-23884229-C-T.
Other names: p.R1845Q:CGG>CAG; NM_000257.4(MYH7):c.5534G>A; p.Arg1845Gln; c.5534G>A (LRG_384t1); short protein forms R1845Q.
Identifiers: ClinVar variation 181286 (VCV000181286.20), dbSNP rs730880822, ClinGen allele CA016210.